The following is an entry in ClinVar:

ClinVar aggregate classification (germline): Pathogenic. Review status: criteria provided, multiple submitters, no conflicts (2 of 4 stars). 2 submissions from 2 submitters: Pathogenic (2). Last evaluated 2025-07-21.

Conditions:
Hereditary cancer-predisposing syndrome. Also called: Hereditary neoplastic syndrome; Tumor predisposition; Neoplastic Syndromes, Hereditary; Hereditary Cancer Syndrome. Identifiers: Orphanet 140162, MedGen C0027672, MeSH D009386, MONDO:0015356.
Multiple endocrine neoplasia, type 1 (MEN1). Also called: MEN I; Endocrine adenomatosis multiple; MEN 1; WERMER SYNDROME; MEA I. Identifiers: Orphanet 652, MedGen C0025267, MeSH D018761, MONDO:0007540, OMIM 131100.

Submissions (2):

Women's Health and Genetics/Laboratory Corporation of America, LabCorp
Classification: Pathogenic for Multiple endocrine neoplasia, type 1. Last evaluated: 2025-07-21. Review status: criteria provided, single submitter. Criteria: LabCorp Variant Classification Summary - May 2015. Collection method: clinical testing. Allele origin: germline.
Comment: Variant summary: MEN1 c.270T>A (p.Tyr90X) results in a premature termination codon, predicted to cause a truncation of the encoded protein or absence of the protein due to nonsense mediated decay, which are commonly known mechanisms for disease. The variant was absent in 247274 control chromosomes. c.270T>A has been observed in individual(s) affected with Multiple Endocrine Neoplasia Type 1 (e.g. Schaefer_2008). The following publication has been ascertained in the context of this evaluation (PMID: 18426829). ClinVar contains an entry for this variant (Variation ID: 428070). Based on the evidence outlined above, the variant was classified as pathogenic.

Ambry Genetics
Classification: Pathogenic for Hereditary cancer-predisposing syndrome. Last evaluated: 2015-10-16. Review status: criteria provided, single submitter. Criteria: Ambry Variant Classification Scheme 2023. Collection method: clinical testing. Allele origin: germline.
Comment: The p.Y90* pathogenic mutation (also known as c.270T>A), located in coding exon 1 of the MEN1 gene, results from a T to A substitution at nucleotide position 270. This changes the amino acid from a tyrosine to a stop codon within coding exon 1. One study identified another alteration (designated as c.379_380insA) leading to this same protein change (designated as Y90X) in one individual with multiple endocrine neoplasia type 1 (Langer P, Br J Surg 2001 Oct; 88(10):1403-7.). In addition to the clinical data presented in the literature, since premature stop codons are typically deleterious in nature, this alteration is interpreted as a disease-causing mutation (ACMG Recommendations for Standards for Interpretation and Reporting of Sequence Variations. Revision 2007. Genet Med. 2008;10:294).

Literature cited by the submitters: PubMed 18426829 (cited by Women's Health and Genetics/Laboratory Corporation of America, LabCorp); PubMed 11578300 (cited by Ambry Genetics).

NM_001370259.2(MEN1):c.270T>A (p.Tyr90Ter)

Gene: MEN1 (menin 1; minus strand). Cytogenetic location: 11q13.1.
Variant type: single nucleotide variant.
Coding change: c.270T>A on transcript NM_001370259.2 (MANE Select); coding-DNA position 270, T replaced by A.
Protein change: p.Tyr90Ter; replaces tyrosine 90 with a stop codon.
Molecular consequence: nonsense.
Genome position (GRCh38, 1-based): chr11:64,809,840, A>T on the plus strand (T>A on the coding strand, the complement: MEN1 is on the minus strand). VCF-style: chr11-64809840-A-T. GRCh37 (hg19) VCF-style: chr11-64577312-A-T.
Other names: c.270T>A, p.Tyr90Ter (NM_001370260.2, NM_001370261.2, NM_001370262.2 and 9 more transcripts); short protein forms Y90*.
Identifiers: ClinVar variation 428070 (VCV000428070.7), dbSNP rs1114167527, ClinGen allele CA381187515.
Genomic context (GRCh38, chr11:64,809,840, plus strand): 5'-CCCTTCTCGAGGATAGAGGGACAGGTCGACGGCGCCTCGGATCTGGGCGGTGAAGCGGGC[A>T]TAGAGGGCGGCGATGATAGACAGGTCGGCCACGGGAAAGTAGGTGAGGCCGCCAGGCGGG-3'